The following is an entry in ClinVar:

ClinVar aggregate classification (germline): Uncertain significance (1 of 4 stars; one submission).

Allele frequency attached by ClinVar (database versions not stated): TOPMed below 0.00001; ExAC 0.00001; gnomAD exomes 0.00001.
gnomAD v4.1: 19 of 1,613,996 alleles (0.0012%); highest among the groups gnomAD compares: Admixed American, 0.0033%; no homozygotes.

Submission:

Labcorp Genetics (formerly Invitae), Labcorp
Classification: Uncertain significance. Last evaluated: 2024-01-02. Review status: criteria provided, single submitter. Criteria: Invitae Variant Classification Sherloc (09022015). Collection method: clinical testing. Allele origin: germline.
Comment: This sequence change replaces isoleucine, which is neutral and non-polar, with threonine, which is neutral and polar, at codon 216 of the APOL1 protein (p.Ile216Thr). This variant is present in population databases (rs757904186, gnomAD 0.004%). This variant has not been reported in the literature in individuals affected with APOL1-related conditions. ClinVar contains an entry for this variant (Variation ID: 1967798). Algorithms developed to predict the effect of missense changes on protein structure and function output the following: SIFT: "Not Available"; PolyPhen-2: "Benign"; Align-GVGD: "Not Available". The threonine amino acid residue is found in multiple mammalian species, which suggests that this missense change does not adversely affect protein function. In summary, the available evidence is currently insufficient to determine the role of this variant in disease. Therefore, it has been classified as a Variant of Uncertain Significance.

NM_003661.4(APOL1):c.647T>C (p.Ile216Thr)

Gene: APOL1 (apolipoprotein L1; plus strand). Cytogenetic location: 22q12.3.
Variant type: single nucleotide variant.
Coding change: c.647T>C on transcript NM_003661.4 (MANE Select); coding-DNA position 647, T replaced by C.
Protein change: p.Ile216Thr; replaces isoleucine 216 with threonine.
Molecular consequence: missense variant.
Genome position (GRCh38, 1-based): chr22:36,265,483, T>C. VCF-style: chr22-36265483-T-C. GRCh37 (hg19) VCF-style: chr22-36661529-T-C.
Other names: c.647T>C, p.Ile216Thr (NM_001136540.2); c.593T>C, p.Ile198Thr (NM_001136541.2, NM_001362927.2); c.695T>C, p.Ile232Thr (NM_145343.3); short protein forms I198T, I216T, I232T.
Identifiers: ClinVar variation 1967798 (VCV001967798.5), dbSNP rs757904186, ClinGen allele CA10208725.